The following is an entry in ClinVar:

NM_000553.6(WRN):c.2031_2032del (p.Gly677_His678insTer)

Gene: WRN (WRN RecQ like helicase; plus strand). Cytogenetic location: 8p12.
Variant type: Deletion.
Coding change: c.2031_2032del on transcript NM_000553.6 (MANE Select); coding-DNA positions 2031 to 2032, 2 bases deleted (GC; older notation c.2031_2032delGC).
Protein change: p.Gly677_His678insTer.
Molecular consequence: frameshift variant.
Genome position (GRCh38, 1-based): chr8:31,100,898-31,100,899, GC deleted. VCF-style (leftmost placement, unchanged base first): chr8-31100897-GGC-G. GRCh37 (hg19) VCF-style: chr8-30958413-GGC-G.
Identifiers: ClinVar variation 1199180 (VCV001199180.4), dbSNP rs2130229490, ClinGen allele CA2499219247.

ClinVar aggregate classification (germline): Likely pathogenic (1 of 4 stars; one submission).

Conditions:
Werner syndrome (WRN). Identifiers: Orphanet 902, MedGen C0043119, MONDO:0010196, OMIM 277700.

Submission:

Illumina Laboratory Services, Illumina
Classification: Likely pathogenic for Werner syndrome. Last evaluated: 2021-03-05. Review status: criteria provided, single submitter. Criteria: ICSLVariantClassificationCriteria RUGD 01 April 2020. Collection method: clinical testing. Allele origin: unknown.
Comment: The WRN c.2031_2032delGC (p.His678Ter) variant is a stop-gained variant that is predicted to result in a premature termination. A literature search was performed for the gene, cDNA change, and amino acid change. No publications were found based on this search. This variant is not found in the Genome Aggregation Database in a region of good sequencing coverage, so the variant is presumed to be rare. Based on the available information and application of the ACMG criteria, the p.His678Ter variant is classified as likely pathogenic for Werner syndrome.